The following is an entry in ClinVar:

ClinVar aggregate classification (germline): Uncertain significance (1 of 4 stars; one submission).

gnomAD v4.1: 9 of 1,613,692 alleles (0.00056%); highest among the groups gnomAD compares: African/African-American, 0.0067%; no homozygotes.

Submission:

Labcorp Genetics (formerly Invitae), Labcorp
Classification: Uncertain significance. Last evaluated: 2023-08-10. Review status: criteria provided, single submitter. Criteria: Invitae Variant Classification Sherloc (09022015). Collection method: clinical testing. Allele origin: germline.
Comment: This sequence change affects codon 252 of the MAPKBP1 mRNA. It is a 'silent' change, meaning that it does not change the encoded amino acid sequence of the MAPKBP1 protein. This variant is not present in population databases (gnomAD no frequency). This variant has not been reported in the literature in individuals affected with MAPKBP1-related conditions. Algorithms developed to predict the effect of sequence changes on RNA splicing suggest that this variant may create or strengthen a splice site. In summary, the available evidence is currently insufficient to determine the role of this variant in disease. Therefore, it has been classified as a Variant of Uncertain Significance.

NM_014994.3(MAPKBP1):c.756G>T (p.Thr252=)

Gene: MAPKBP1 (mitogen-activated protein kinase binding protein 1; plus strand). Cytogenetic location: 15q15.1.
Variant type: single nucleotide variant.
Coding change: c.756G>T on transcript NM_014994.3 (MANE Select); coding-DNA position 756, G replaced by T.
Protein change: p.Thr252=; no amino-acid change (threonine 252 retained).
Molecular consequence: synonymous variant. On other transcripts: non-coding transcript variant (2).
Genome position (GRCh38, 1-based): chr15:41,813,038, G>T. VCF-style: chr15-41813038-G-T. GRCh37 (hg19) VCF-style: chr15-42105236-G-T.
Other names: c.756G>T, p.Thr252= (NM_001128608.2, NM_001265611.2).
Identifiers: ClinVar variation 2996835 (VCV002996835.3), dbSNP rs748071153, ClinGen allele CA489837573.